The following is an entry in ClinVar:

NM_201384.3(PLEC):c.1650C>T (p.Ser550=)

Gene: PLEC (plectin; minus strand). Cytogenetic location: 8q24.3.
Variant type: single nucleotide variant.
Coding change: c.1650C>T on transcript NM_201384.3 (MANE Select); coding-DNA position 1650, C replaced by T.
Protein change: p.Ser550=; no amino-acid change (serine 550 retained).
Molecular consequence: synonymous variant.
Genome position (GRCh38, 1-based): chr8:143,932,880, G>A on the plus strand (C>T on the coding strand, the complement: PLEC is on the minus strand). VCF-style: chr8-143932880-G-A. GRCh37 (hg19) VCF-style: chr8-145007048-G-A.
Other names: c.1731C>T, p.Ser577= (NM_000445.5); c.1608C>T, p.Ser536= (NM_201378.4); c.1584C>T, p.Ser528= (NM_201379.3); c.2061C>T, p.Ser687= (NM_201380.4); c.1554C>T, p.Ser518= (NM_201381.3); c.1650C>T, p.Ser550= (NM_201382.4); c.1662C>T, p.Ser554= (NM_201383.3).
Identifiers: ClinVar variation 283958 (VCV000283958.28), dbSNP rs541271992, ClinGen allele CA4927907.

ClinVar aggregate classification (germline): Conflicting classifications of pathogenicity. Review status: criteria provided, conflicting classifications (1 of 4 stars). 6 submissions from 6 submitters: Uncertain significance (1); Benign (1); Likely benign (4). Last evaluated 2026-09-01.

Conditions:
PLEC-related disorder. Also called: PLEC-related condition; PLEC-related disorders.
Epidermolysis bullosa simplex with nail dystrophy (EBS5D). Identifiers: MedGen C4225309, MONDO:0014661, OMIM 616487.
Epidermolysis bullosa simplex 5C, with pyloric atresia (EBS5C). Also called: PLEC-Related Epidermolysis Bullosa with Pyloric Atresia; PLEC1-Related Epidermolysis Bullosa with Pyloric Atresia; Epidermolysis bullosa simplex with pyloric atresia. Identifiers: Orphanet 158684, MedGen C2677349, MONDO:0012807, OMIM 612138.
Autosomal recessive limb-girdle muscular dystrophy type 2Q (LGMDR17). Also called: MUSCULAR DYSTROPHY, LIMB-GIRDLE, AUTOSOMAL RECESSIVE 17. Identifiers: Orphanet 254361, MedGen C3150989, MONDO:0013390, OMIM 613723.
Epidermolysis bullosa simplex, Ogna type (EBS5A). Also called: Pidermolysis bullosa simplex 5A, Ogna type; EPIDERMOLYSIS BULLOSA SIMPLEX 5A, OGNA TYPE. Identifiers: Orphanet 79401, MedGen C0432317, MONDO:0007555, OMIM 131950.
Epidermolysis bullosa simplex 5B, with muscular dystrophy (EBS5B). Also called: EPIDERMOLYSIS BULLOSA SIMPLEX AND LIMB-GIRDLE MUSCULAR DYSTROPHY; Epidermolysis bullosa simplex with muscular dystrophy. Identifiers: Orphanet 257, MedGen C2931072, MONDO:0009181, OMIM 226670.

Allele frequency attached by ClinVar (database versions not stated): gnomAD 0.00008; 1000 Genomes Project 30x 0.00016; 1000 Genomes Project 0.00020; ExAC 0.00021; TOPMed 0.00021; gnomAD exomes 0.00034.
gnomAD v4.1: 171 of 1,612,408 alleles (0.011%); highest among the groups gnomAD compares: Admixed American, 0.15%; no homozygotes.

Submissions (6):

CeGaT Center for Human Genetics Tuebingen
Classification: Likely benign. Last evaluated: 2026-09-01. Review status: criteria provided, single submitter. Criteria: CeGaT Center For Human Genetics Tuebingen Variant Classification Criteria Version 2. Collection method: clinical testing. Allele origin: germline. Affected: yes. Observed: 3 variant alleles.
Comment: PLEC: BP4, BP7

Labcorp Genetics (formerly Invitae), Labcorp
Classification: Likely benign for Autosomal recessive limb-girdle muscular dystrophy type 2Q; Epidermolysis bullosa simplex, Ogna type; Epidermolysis bullosa simplex with nail dystrophy; Epidermolysis bullosa simplex 5C, with pyloric atresia; Epidermolysis bullosa simplex 5B, with muscular dystrophy. Last evaluated: 2026-01-18. Review status: criteria provided, single submitter. Criteria: Invitae Variant Classification Sherloc (09022015). Collection method: clinical testing. Allele origin: germline.

PreventionGenetics, part of Exact Sciences
Classification: Benign for PLEC-related condition. Last evaluated: 2024-12-04. Review status: criteria provided, single submitter. Criteria: ACMG Guidelines, 2015. Collection method: clinical testing. Allele origin: germline.
Comment: This variant is classified as benign based on ACMG/AMP sequence variant interpretation guidelines (Richards et al. 2015 PMID: 25741868, with internal and published modifications).

Blueprint Genetics
Classification: Likely benign. Last evaluated: 2023-03-06. Review status: criteria provided, single submitter. Criteria: ACMG Guidelines, 2015. Collection method: clinical testing. Allele origin: germline.

Genetic Services Laboratory, University of Chicago
Classification: Likely benign. Last evaluated: 2016-08-02. Review status: criteria provided, single submitter. Criteria: ACMG Guidelines, 2015. Collection method: clinical testing. Allele origin: germline. Affected: no.

Eurofins Ntd Llc (ga)
Classification: Uncertain significance. Last evaluated: 2015-10-06. Review status: criteria provided, single submitter. Criteria: EGL Classification Definitions 2015. Collection method: clinical testing. Allele origin: germline. Observed: 2 variant alleles, 2 heterozygotes.